The following is an entry in ClinVar:

NM_001244008.2(KIF1A):c.4591T>C (p.Ser1531Pro)

Gene: KIF1A (kinesin family member 1A; minus strand). Cytogenetic location: 2q37.3.
Variant type: single nucleotide variant.
Coding change: c.4591T>C on transcript NM_001244008.2 (MANE Select); coding-DNA position 4591, T replaced by C.
Protein change: p.Ser1531Pro; replaces serine 1531 with proline.
Molecular consequence: missense variant.
Genome position (GRCh38, 1-based): chr2:240,722,530, A>G on the plus strand (T>C on the coding strand, the complement: KIF1A is on the minus strand). VCF-style: chr2-240722530-A-G. GRCh37 (hg19) VCF-style: chr2-241661947-A-G.
Other names: c.4315T>C, p.Ser1439Pro (NM_001320705.2, NM_001379649.1); c.4342T>C, p.Ser1448Pro (NM_001330289.2); c.4390T>C, p.Ser1464Pro (NM_001330290.2, NM_001379648.1); c.4666T>C, p.Ser1556Pro (NM_001379631.1); c.4567T>C, p.Ser1523Pro (NM_001379632.1); c.4564T>C, p.Ser1522Pro (NM_001379633.1, NM_001379645.1); c.4417T>C, p.Ser1473Pro (NM_001379634.1); c.4414T>C, p.Ser1472Pro (NM_001379635.1, NM_001379646.1); and 7 more; short protein forms S1430P, S1439P, S1447P, S1523P, S1438P, S1464P, S1473P, S1556P.
Identifiers: ClinVar variation 1933351 (VCV001933351.5), dbSNP rs2536699837, ClinGen allele CA351303925.

ClinVar aggregate classification (germline): Uncertain significance (1 of 4 stars; one submission).

Conditions:
Hereditary spastic paraplegia 30. Identifiers: Orphanet 101010, MedGen C5235139, MONDO:0012476.
Neuropathy, hereditary sensory, type 2C. Also called: Hereditary sensory and autonomic neuropathy type IIC; KIF1A-Related HSAN2 (HSAN2C). Identifiers: Orphanet 970, MedGen C3280168, MONDO:0013634, OMIM 614213.
Intellectual disability, autosomal dominant 9 (NESCAVS). Also called: NESCAV SYNDROME; KIF1A-Related Neurodevelopmental Disorder. Identifiers: Orphanet 662367, MedGen C5393830, MONDO:0013656, OMIM 614255.

Allele frequency attached by ClinVar (database versions not stated): gnomAD exomes below 0.00001.
gnomAD v4.1: 1 of 1,548,616 alleles (0.000065%); highest among the groups gnomAD compares: Non-Finnish European, 0.000087%; no homozygotes.

Submission:

Labcorp Genetics (formerly Invitae), Labcorp
Classification: Uncertain significance for Hereditary spastic paraplegia 30; Neuropathy, hereditary sensory, type 2C; Intellectual disability, autosomal dominant 9. Last evaluated: 2021-12-08. Review status: criteria provided, single submitter. Criteria: Invitae Variant Classification Sherloc (09022015). Collection method: clinical testing. Allele origin: germline.
Comment: This sequence change replaces serine, which is neutral and polar, with proline, which is neutral and non-polar, at codon 1430 of the KIF1A protein (p.Ser1430Pro). This variant is not present in population databases (gnomAD no frequency). This variant has not been reported in the literature in individuals affected with KIF1A-related conditions. Advanced modeling of protein sequence and biophysical properties (such as structural, functional, and spatial information, amino acid conservation, physicochemical variation, residue mobility, and thermodynamic stability) performed at Invitae indicates that this missense variant is not expected to disrupt KIF1A protein function. In summary, the available evidence is currently insufficient to determine the role of this variant in disease. Therefore, it has been classified as a Variant of Uncertain Significance.